The following is an entry in ClinVar:

ClinVar aggregate classification (germline): Conflicting classifications of pathogenicity. Review status: criteria provided, conflicting classifications (1 of 4 stars). 2 submissions from 2 submitters: Uncertain significance (1); Likely benign (1). Last evaluated 2025-08-19.

Conditions:
Alagille syndrome due to a JAG1 point mutation. Also called: JAG1-Related Alagille Syndrome; Alagille Syndrome 1; HEPATIC DUCTULAR HYPOPLASIA, SYNDROMATIC. Identifiers: Orphanet 261619, Orphanet 52, MedGen C1956125, MONDO:0016862, OMIM 118450.
Cardiovascular phenotype. Identifiers: MedGen CN230736.

Allele frequency attached by ClinVar (database versions not stated): TOPMed 0.00003.

Submissions (2):

Ambry Genetics
Classification: Uncertain significance for Cardiovascular phenotype. Last evaluated: 2025-08-19. Review status: criteria provided, single submitter. Criteria: Ambry Variant Classification Scheme 2023. Collection method: clinical testing. Allele origin: germline.
Comment: The p.I918V variant (also known as c.2752A>G), located in coding exon 23 of the JAG1 gene, results from an A to G substitution at nucleotide position 2752. The isoleucine at codon 918 is replaced by valine, an amino acid with highly similar properties. This amino acid position is conserved. In addition, this alteration is predicted to be tolerated by in silico analysis. Since supporting evidence is limited at this time, the clinical significance of this alteration remains unclear.

Labcorp Genetics (formerly Invitae), Labcorp
Classification: Likely benign for Alagille syndrome due to a JAG1 point mutation. Last evaluated: 2025-07-28. Review status: criteria provided, single submitter. Criteria: Invitae Variant Classification Sherloc (09022015). Collection method: clinical testing. Allele origin: germline.

NM_000214.3(JAG1):c.2752A>G (p.Ile918Val)

Gene: JAG1 (jagged canonical Notch ligand 1; minus strand). Cytogenetic location: 20p12.2.
Variant type: single nucleotide variant.
Coding change: c.2752A>G on transcript NM_000214.3 (MANE Select); coding-DNA position 2752, A replaced by G.
Protein change: p.Ile918Val; replaces isoleucine 918 with valine.
Molecular consequence: missense variant.
Genome position (GRCh38, 1-based): chr20:10,641,624, T>C on the plus strand (A>G on the coding strand, the complement: JAG1 is on the minus strand). VCF-style: chr20-10641624-T-C. GRCh37 (hg19) VCF-style: chr20-10622272-T-C.
Other names: c.2752A>G (NM_000214.2); short protein forms I918V.
Identifiers: ClinVar variation 1010970 (VCV001010970.11), dbSNP rs773431867, ClinGen allele CA311368801.